The following is an entry in ClinVar:

NM_015166.4(MLC1):c.321+2T>C

Gene: MLC1 (modulator of VRAC current 1; minus strand). Cytogenetic location: 22q13.33.
Variant type: single nucleotide variant.
Coding change: c.321+2T>C on transcript NM_015166.4 (MANE Select); the canonical splice donor site of the intron after coding-DNA position 321, T replaced by C.
Molecular consequence: splice donor variant. On other transcripts: intron variant (2).
Genome position (GRCh38, 1-based): chr22:50,080,342, A>G on the plus strand (T>C on the coding strand, the complement: MLC1 is on the minus strand). VCF-style: chr22-50080342-A-G. GRCh37 (hg19) VCF-style: chr22-50518771-A-G.
Other names: c.321+2T>C (NM_001376474.1, NM_001376475.1, NM_001376476.1 and 7 more transcripts); c.84+2T>C (NM_001376484.1); c.231+2T>C (NM_001376480.1); c.267+2742T>C (NM_001376482.1, NM_001376483.1).
Identifiers: ClinVar variation 2040931 (VCV002040931.5), dbSNP rs762436724, ClinGen allele CA412111165.
Genomic context (GRCh38, chr22:50,080,342, plus strand): 5'-ACACTGTCTGTCAGCCCCTCCGGCTTTCTCCCTGGCAGAGGCTGCCTGCAAGCTAGACTC[A>G]CCACATTGGCGTTCCTCCTGGAGACGGTGAAGCTCACAATTGCCGAGGGGATGCACTGGA-3'

ClinVar aggregate classification (germline): Likely pathogenic. Review status: criteria provided, multiple submitters, no conflicts (2 of 4 stars). 2 submissions from 2 submitters: Likely pathogenic (2). Last evaluated 2023-12-22.

Conditions:
Megalencephalic leukoencephalopathy with subcortical cysts 1 (MLC1). Also called: VACUOLATING MEGALENCEPHALIC LEUKOENCEPHALOPATHY WITH SUBCORTICAL CYSTS; LEUKOENCEPHALOPATHY WITH SWELLING AND CYSTS. Identifiers: Orphanet 2478, MedGen C5779875, MONDO:0024555, OMIM 604004.

Submissions (2):

Labcorp Genetics (formerly Invitae), Labcorp
Classification: Likely pathogenic. Last evaluated: 2023-12-22. Review status: criteria provided, single submitter. Criteria: Invitae Variant Classification Sherloc (09022015). Collection method: clinical testing. Allele origin: germline.
Comment: This sequence change affects a donor splice site in intron 4 of the MLC1 gene. It is expected to disrupt RNA splicing. Variants that disrupt the donor or acceptor splice site typically lead to a loss of protein function (PMID: 16199547), and loss-of-function variants in MLC1 are known to be pathogenic (PMID: 11254442, 16470554, 24824219). This variant is not present in population databases (gnomAD no frequency). This variant has not been reported in the literature in individuals affected with MLC1-related conditions. ClinVar contains an entry for this variant (Variation ID: 2040931). Algorithms developed to predict the effect of sequence changes on RNA splicing suggest that this variant may disrupt the consensus splice site. In summary, the currently available evidence indicates that the variant is pathogenic, but additional data are needed to prove that conclusively. Therefore, this variant has been classified as Likely Pathogenic.

Baylor Genetics
Classification: Likely pathogenic for Megalencephalic leukoencephalopathy with subcortical cysts 1. Last evaluated: 2023-09-07. Review status: criteria provided, single submitter. Criteria: ACMG Guidelines, 2015. Collection method: clinical testing. Allele origin: unknown.

Literature cited by the submitters: PubMed 16199547 (cited by Labcorp Genetics (formerly Invitae), Labcorp); PubMed 11254442 (cited by Labcorp Genetics (formerly Invitae), Labcorp); PubMed 16470554 (cited by Labcorp Genetics (formerly Invitae), Labcorp); PubMed 24824219 (cited by Labcorp Genetics (formerly Invitae), Labcorp).